The following is an entry in ClinVar:

ClinVar aggregate classification (germline): Pathogenic (1 of 4 stars; one submission).

Conditions:
Asphyxiating thoracic dystrophy 5 (SRTD5). Also called: SHORT-RIB THORACIC DYSPLASIA 5 WITH OR WITHOUT POLYDACTYLY; SHORT-RIB THORACIC DYSPLASIA 5 WITHOUT POLYDACTYLY. Identifiers: Orphanet 474, MedGen C3280598, MONDO:0013717, OMIM 614376.
Senior-Loken syndrome 8 (SLSN8). Identifiers: Orphanet 3156, MedGen C4225376, MONDO:0014579, OMIM 616307.

Submission:

Labcorp Genetics (formerly Invitae), Labcorp
Classification: Pathogenic for Senior-Loken syndrome 8; Asphyxiating thoracic dystrophy 5. Last evaluated: 2022-07-06. Review status: criteria provided, single submitter. Criteria: Invitae Variant Classification Sherloc (09022015). Collection method: clinical testing. Allele origin: germline.
Comment: For these reasons, this variant has been classified as Pathogenic. ClinVar contains an entry for this variant (Variation ID: 542761). This variant has not been reported in the literature in individuals affected with WDR19-related conditions. This variant is not present in population databases (gnomAD no frequency). This sequence change creates a premature translational stop signal (p.Ile361Leufs*12) in the WDR19 gene. It is expected to result in an absent or disrupted protein product. Loss-of-function variants in WDR19 are known to be pathogenic (PMID: 22019273, 23559409, 23683095, 26275793, 27241786, 29068549).

Literature cited by the submitters: PubMed 22019273; PubMed 23559409; PubMed 23683095; PubMed 26275793; PubMed 27241786; PubMed 29068549.

NM_025132.4(WDR19):c.1080del (p.Ile361fs)

Gene: WDR19 (WD repeat domain 19; plus strand). Cytogenetic location: 4p14.
Variant type: Deletion.
Coding change: c.1080del on transcript NM_025132.4 (MANE Select); coding-DNA position 1080, one base deleted (G; older notation c.1080delG).
Protein change: p.Ile361fs; shifts the reading frame from isoleucine 361.
Molecular consequence: frameshift variant.
Genome position (GRCh38, 1-based): chr4:39,215,959, G deleted; the last of 2 consecutive G bases (chr4:39,215,958-39,215,959); deleting either gives the same sequence. VCF-style (leftmost placement, unchanged base first): chr4-39215957-AG-A. GRCh37 (hg19) VCF-style: chr4-39217577-AG-A.
Other names: c.600del, p.Ile201fs (NM_001317924.2); short protein forms I201fs, I361fs.
Identifiers: ClinVar variation 542761 (VCV000542761.6), dbSNP rs1553907440, ClinGen allele CA658796422.